The following is an entry in ClinVar:

ClinVar aggregate classification (germline): Uncertain significance. Review status: criteria provided, multiple submitters, no conflicts (2 of 4 stars). 3 submissions from 3 submitters: Uncertain significance (3). Last evaluated 2025-09-12.

Conditions:
Hypertrophic cardiomyopathy 14. Identifiers: MedGen C2750467, MONDO:0013197, OMIM 613251.
Cardiovascular phenotype. Identifiers: MedGen CN230736.

gnomAD v4.1: 3 of 1,613,278 alleles (0.00019%); highest among the groups gnomAD compares: Non-Finnish European, 0.00025%; no homozygotes.

Submissions (3):

Ambry Genetics
Classification: Uncertain significance for Cardiovascular phenotype. Last evaluated: 2025-09-12. Review status: criteria provided, single submitter. Criteria: Ambry Variant Classification Scheme 2023. Collection method: clinical testing. Allele origin: germline.
Comment: The p.G1826R variant (also known as c.5476G>C), located in coding exon 34 of the MYH6 gene, results from a G to C substitution at nucleotide position 5476. The glycine at codon 1826 is replaced by arginine, an amino acid with dissimilar properties. This amino acid position is poorly conserved in available vertebrate species. In addition, this alteration is predicted to be tolerated by in silico analysis. Since supporting evidence is limited at this time, the clinical significance of this alteration remains unclear.

Labcorp Genetics (formerly Invitae), Labcorp
Classification: Uncertain significance for Hypertrophic cardiomyopathy 14. Last evaluated: 2024-01-05. Review status: criteria provided, single submitter. Criteria: Invitae Variant Classification Sherloc (09022015). Collection method: clinical testing. Allele origin: germline.
Comment: This sequence change replaces glycine, which is neutral and non-polar, with arginine, which is basic and polar, at codon 1826 of the MYH6 protein (p.Gly1826Arg). This variant is not present in population databases (gnomAD no frequency). This variant has not been reported in the literature in individuals affected with MYH6-related conditions. ClinVar contains an entry for this variant (Variation ID: 929192). Advanced modeling of protein sequence and biophysical properties (such as structural, functional, and spatial information, amino acid conservation, physicochemical variation, residue mobility, and thermodynamic stability) performed at Invitae indicates that this missense variant is expected to disrupt MYH6 protein function with a positive predictive value of 80%. In summary, the available evidence is currently insufficient to determine the role of this variant in disease. Therefore, it has been classified as a Variant of Uncertain Significance.

Women's Health and Genetics/Laboratory Corporation of America, LabCorp
Classification: Uncertain significance. Last evaluated: 2019-03-18. Review status: criteria provided, single submitter. Criteria: LabCorp Variant Classification Summary - May 2015. Collection method: clinical testing. Allele origin: germline.
Comment: Variant summary: MYH6 c.5476G>C (p.Gly1826Arg) results in a non-conservative amino acid change located in the Myosin tail of the encoded protein sequence. Four of five in-silico tools predict a benign effect of the variant on protein function. The variant was absent in 277038 control chromosomes (gnomAD). The available data on variant occurrences in the general population are insufficient to allow any conclusion about variant significance. To our knowledge, no occurrence of c.5476G>C in individuals affected with Cardiomyopathy and no experimental evidence demonstrating its impact on protein function have been reported. No clinical diagnostic laboratories have submitted clinical-significance assessments for this variant to ClinVar after 2014. Based on the evidence outlined above, the variant was classified as uncertain significance.

NM_002471.4(MYH6):c.5476G>C (p.Gly1826Arg)

Gene: MYH6 (myosin heavy chain 6; minus strand). Cytogenetic location: 14q11.2.
Variant type: single nucleotide variant.
Coding change: c.5476G>C on transcript NM_002471.4 (MANE Select); coding-DNA position 5476, G replaced by C.
Protein change: p.Gly1826Arg; replaces glycine 1826 with arginine.
Molecular consequence: missense variant.
Genome position (GRCh38, 1-based): chr14:23,384,531, C>G on the plus strand (G>C on the coding strand, the complement: MYH6 is on the minus strand). VCF-style: chr14-23384531-C-G. GRCh37 (hg19) VCF-style: chr14-23853740-C-G.
Other names: short protein forms G1826R.
Identifiers: ClinVar variation 929192 (VCV000929192.7), dbSNP rs202141059, ClinGen allele CA388984199.